The following is an entry in ClinVar:

NM_024675.4(PALB2):c.1534T>A (p.Tyr512Asn)

Gene: PALB2 (partner and localizer of BRCA2; minus strand). Cytogenetic location: 16p12.2.
Variant type: single nucleotide variant.
Coding change: c.1534T>A on transcript NM_024675.4 (MANE Select); coding-DNA position 1534, T replaced by A.
Protein change: p.Tyr512Asn; replaces tyrosine 512 with asparagine.
Molecular consequence: missense variant.
Genome position (GRCh38, 1-based): chr16:23,635,012, A>T on the plus strand (T>A on the coding strand, the complement: PALB2 is on the minus strand). VCF-style: chr16-23635012-A-T. GRCh37 (hg19) VCF-style: chr16-23646333-A-T.
Other names: c.1534T>A (NM_024675.3); short protein forms Y512N.
Identifiers: ClinVar variation 1434586 (VCV001434586.10), dbSNP rs1966959567, ClinGen allele CA395130920.
Genomic context (GRCh38, chr16:23,635,012, plus strand): 5'-GCAAAAGTGGTTCACAATGATCTGATGCTGGGGTGCAGGCTGATTTTCTTTTTCCTGTGT[A>T]TCTTCTACCAGGTGCTTGGGCAACTGCCTTCCTAGACAAGTCATTATCTTCAGTGGGCCC-3'
Protein context (NP_078951.2, residues 502-522): KAVAQAPGRR[Tyr512Asn]TGKRKSACTP

ClinVar aggregate classification (germline): Uncertain significance. Review status: criteria provided, multiple submitters, no conflicts (2 of 4 stars). 2 submissions from 2 submitters: Uncertain significance (2). Last evaluated 2025-11-05.

Conditions:
Hereditary cancer-predisposing syndrome. Also called: Hereditary Cancer Syndrome; Hereditary neoplastic syndrome; Neoplastic Syndromes, Hereditary; Tumor predisposition. Identifiers: Orphanet 140162, MedGen C0027672, MeSH D009386, MONDO:0015356.
Familial cancer of breast. Also called: BREAST CANCER, FAMILIAL; Hereditary breast cancer; hereditary breast carcinoma. Identifiers: Orphanet 227535, MedGen C0346153, MONDO:0016419, OMIM 114480. Disease mechanism: loss of function.

Allele frequency attached by ClinVar (database versions not stated): TOPMed below 0.00001; gnomAD 0.00001.
gnomAD v4.1: 1 of 1,613,982 alleles (0.000062%); highest among the groups gnomAD compares: Admixed American, 0.0017%; no homozygotes.

Submissions (2):

Labcorp Genetics (formerly Invitae), Labcorp
Classification: Uncertain significance for Familial cancer of breast. Last evaluated: 2025-11-05. Review status: criteria provided, single submitter. Criteria: Invitae Variant Classification Sherloc (09022015). Collection method: clinical testing. Allele origin: germline.
Comment: This sequence change replaces tyrosine, which is neutral and polar, with asparagine, which is neutral and polar, at codon 512 of the PALB2 protein (p.Tyr512Asn). This variant is not present in population databases (gnomAD no frequency). This variant has not been reported in the literature in individuals affected with PALB2-related conditions. ClinVar contains an entry for this variant (Variation ID: 1434586). Invitae Evidence Modeling of protein sequence and biophysical properties (such as structural, functional, and spatial information, amino acid conservation, physicochemical variation, residue mobility, and thermodynamic stability) indicates that this missense variant is not expected to disrupt PALB2 protein function with a negative predictive value of 80%. In summary, the available evidence is currently insufficient to determine the role of this variant in disease. Therefore, it has been classified as a Variant of Uncertain Significance.

Ambry Genetics
Classification: Uncertain significance for Hereditary cancer-predisposing syndrome. Last evaluated: 2023-12-07. Review status: criteria provided, single submitter. Criteria: Ambry Variant Classification Scheme 2023. Collection method: clinical testing. Allele origin: germline.
Comment: The p.Y512N variant (also known as c.1534T>A), located in coding exon 4 of the PALB2 gene, results from a T to A substitution at nucleotide position 1534. The tyrosine at codon 512 is replaced by asparagine, an amino acid with dissimilar properties. This amino acid position is conserved. In addition, this alteration is predicted to be tolerated by in silico analysis. Since supporting evidence is limited at this time, the clinical significance of this alteration remains unclear.